The following is an entry in ClinVar:

NM_181486.4(TBX5):c.483C>G (p.Thr161=)

Gene: TBX5 (T-box transcription factor 5; minus strand). Cytogenetic location: 12q24.21.
Variant type: single nucleotide variant.
Coding change: c.483C>G on transcript NM_181486.4 (MANE Select); coding-DNA position 483, C replaced by G.
Protein change: p.Thr161=; no amino-acid change (threonine 161 retained).
Molecular consequence: synonymous variant.
Genome position (GRCh38, 1-based): chr12:114,398,600, G>C on the plus strand (C>G on the coding strand, the complement: TBX5 is on the minus strand). VCF-style: chr12-114398600-G-C. GRCh37 (hg19) VCF-style: chr12-114836405-G-C.
Other names: c.483C>G, p.Thr161= (NM_000192.3); c.333C>G, p.Thr111= (NM_080717.4).
Identifiers: ClinVar variation 3895305 (VCV003895305.1), dbSNP rs756481812.

ClinVar aggregate classification (germline): Likely benign (1 of 4 stars; one submission).

gnomAD v4.1: 1 of 1,613,574 alleles (0.000062%); highest among the groups gnomAD compares: Non-Finnish European, 0.000085%; no homozygotes.

Submission:

Molecular Diagnostic Laboratory for Inherited Cardiovascular Disease, Montreal Heart Institute
Classification: Likely benign. Last evaluated: 2025-04-09. Review status: criteria provided, single submitter. Criteria: ACMG Guidelines, 2015. Collection method: clinical testing. Allele origin: germline. Affected: no.
Comment: BP5;BP7